The following is an entry in ClinVar:

ClinVar aggregate classification (germline): Pathogenic/Likely pathogenic. Review status: criteria provided, multiple submitters, no conflicts (2 of 4 stars). 2 submissions from 2 submitters: Pathogenic (1); Likely pathogenic (1). Last evaluated 2025-03-12.

Conditions:
Inborn genetic diseases. Identifiers: MedGen C0950123, MeSH D030342.
GPR143-related disorder. Also called: GPR143-related condition.

Submissions (2):

PreventionGenetics, part of Exact Sciences
Classification: Likely pathogenic for GPR143-related condition. Last evaluated: 2025-03-12. Review status: criteria provided, single submitter. Criteria: ACMG Guidelines, 2015. Collection method: clinical testing. Allele origin: germline.
Comment: The GPR143 c.768-1G>A variant is predicted to disrupt the AG splice acceptor site and interfere with normal splicing. To our knowledge, this variant has not been reported in the literature. An alternate substitution of this same nucleotide (c.768-1G>C) has been reported in affected males from a large kindred with ocular albinism (Cai et al. 2013. PubMed ID: 24301936). This variant is absent in a large population database (gnomAD), indicating this variant is rare. Variants that disrupt the consensus splice acceptor site in GPR143 are an established mechanism of disease. This variant is interpreted as likely pathogenic.

Ambry Genetics
Classification: Pathogenic for Inborn genetic diseases. Last evaluated: 2017-02-21. Review status: criteria provided, single submitter. Criteria: Ambry exome assertion method (8-5-2015). Collection method: clinical testing. Allele origin: germline. Affected: yes. Observed: 1 variant allele.

Literature cited by the submitters: PubMed 21541274 (cited by Ambry Genetics); PubMed 27734839 (cited by Ambry Genetics); PubMed 16704458 (cited by Ambry Genetics); PubMed 21739261 (cited by Ambry Genetics).

NM_000273.3(GPR143):c.768-1G>A

Gene: GPR143 (G protein-coupled receptor 143; minus strand). Cytogenetic location: Xp22.2.
Variant type: single nucleotide variant.
Coding change: c.768-1G>A on transcript NM_000273.3 (MANE Select); the canonical splice acceptor site of the intron before coding-DNA position 768, G replaced by A.
Molecular consequence: splice acceptor variant.
Genome position (GRCh38, 1-based): chrX:9,741,456, C>T on the plus strand (G>A on the coding strand, the complement: GPR143 is on the minus strand). VCF-style: chrX-9741456-C-T. GRCh37 (hg19) VCF-style: chrX-9709496-C-T.
Identifiers: ClinVar variation 521594 (VCV000521594.5), dbSNP rs1555914303, ClinGen allele CA411996247.